The following is an entry in ClinVar:

NM_001370259.2(MEN1):c.225C>T (p.Leu75=)

Gene: MEN1 (menin 1; minus strand). Cytogenetic location: 11q13.1.
Variant type: single nucleotide variant.
Coding change: c.225C>T on transcript NM_001370259.2 (MANE Select); coding-DNA position 225, C replaced by T.
Protein change: p.Leu75=; no amino-acid change (leucine 75 retained).
Molecular consequence: synonymous variant.
Genome position (GRCh38, 1-based): chr11:64,809,885, G>A on the plus strand (C>T on the coding strand, the complement: MEN1 is on the minus strand). VCF-style: chr11-64809885-G-A. GRCh37 (hg19) VCF-style: chr11-64577357-G-A.
Other names: c.225C>T, p.Leu75= (NM_130803.3, NM_130804.3, NM_000244.4 and 9 more transcripts).
Identifiers: ClinVar variation 700473 (VCV000700473.14), dbSNP rs1333791405, ClinGen allele CA475163799.

ClinVar aggregate classification (germline): Benign/Likely benign. Review status: criteria provided, multiple submitters, no conflicts (2 of 4 stars). 4 submissions from 4 submitters: Benign (1); Likely benign (3). Last evaluated 2025-08-11.

Conditions:
Hereditary cancer-predisposing syndrome. Also called: Tumor predisposition; Hereditary neoplastic syndrome; Hereditary Cancer Syndrome; Neoplastic Syndromes, Hereditary. Identifiers: Orphanet 140162, MedGen C0027672, MeSH D009386, MONDO:0015356.
Multiple endocrine neoplasia, type 1 (MEN1). Also called: MEN I; MEA I; WERMER SYNDROME; Endocrine adenomatosis multiple; MEN 1. Identifiers: Orphanet 652, MedGen C0025267, MeSH D018761, MONDO:0007540, OMIM 131100.

gnomAD v4.1: 1 of 1,599,938 alleles (0.000063%); highest among the groups gnomAD compares: Non-Finnish European, 0.000085%; no homozygotes.

Submissions (4):

Labcorp Genetics (formerly Invitae), Labcorp
Classification: Likely benign for Multiple endocrine neoplasia, type 1. Last evaluated: 2025-08-11. Review status: criteria provided, single submitter. Criteria: Invitae Variant Classification Sherloc (09022015). Collection method: clinical testing. Allele origin: germline.

Color Diagnostics, LLC DBA Color Health
Classification: Likely benign for Multiple endocrine neoplasia, type 1. Last evaluated: 2025-07-14. Review status: criteria provided, single submitter. Criteria: ACMG Guidelines, 2015. Collection method: clinical testing. Allele origin: germline.

Myriad Genetics, Inc.
Classification: Benign for Multiple endocrine neoplasia, type 1. Last evaluated: 2024-10-31. Review status: criteria provided, single submitter. Criteria: Myriad Autosomal Dominant, Autosomal Recessive and X-Linked Classification Criteria (2023). Collection method: clinical testing. Allele origin: unknown.
Comment: This variant is considered benign. This variant is a silent/synonymous amino acid change and it is not expected to impact splicing.

Ambry Genetics
Classification: Likely benign for Hereditary cancer-predisposing syndrome. Last evaluated: 2022-02-15. Review status: criteria provided, single submitter. Criteria: Ambry Variant Classification Scheme 2023. Collection method: clinical testing. Allele origin: germline.